The following is an entry in ClinVar:

NM_001267550.2(TTN):c.78477T>C (p.Tyr26159=)

Genes: TTN (titin; minus strand), TTN-AS1 (TTN antisense RNA 1; plus strand). Cytogenetic location: 2q31.2.
Variant type: single nucleotide variant.
Coding change: c.78477T>C on transcript NM_001267550.2 (MANE Select); coding-DNA position 78477, T replaced by C.
Protein change: p.Tyr26159=; no amino-acid change (tyrosine 26159 retained).
Molecular consequence: synonymous variant.
Genome position (GRCh38, 1-based): chr2:178,567,655, A>G on the plus strand (T>C on the coding strand, the complement: TTN is on the minus strand). VCF-style: chr2-178567655-A-G. GRCh37 (hg19) VCF-style: chr2-179432382-A-G.
Other names: c.73554T>C, p.Tyr24518= (NM_001256850.1); c.51282T>C, p.Tyr17094= (NM_003319.4); c.70773T>C, p.Tyr23591= (NM_133378.4); c.51657T>C, p.Tyr17219= (NM_133432.3); c.51858T>C, p.Tyr17286= (NM_133437.4).
Identifiers: ClinVar variation 516713 (VCV000516713.10), dbSNP rs371799242, ClinGen allele CA1989593.
Genomic context (GRCh38, chr2:178,567,655, plus strand): 5'-AGTACTGTCAGAGGGTTTACTTATTGCACCAGCTGCATTCTTTGCAATGACTCTGAATTC[A>G]TATCTTTGATCTTCAGTAAGACCTGACACAGTAAATTGAGTTTCAATGACATTTGTAAAG-3'
Protein context (NP_001254479.2, residues 26149-26169): TVSGLTEDQR[Tyr26159=]EFRVIAKNAA

ClinVar aggregate classification (germline): Likely benign. Review status: criteria provided, multiple submitters, no conflicts (2 of 4 stars). 2 submissions from 2 submitters: Likely benign (2). Last evaluated 2025-11-18.

Conditions:
Dilated cardiomyopathy 1G (CMD1G). Identifiers: Orphanet 154, MedGen C1858763, MONDO:0011400, OMIM 604145.
Autosomal recessive limb-girdle muscular dystrophy type 2J (LGMDR10). Also called: Limb-girdle muscular dystrophy, type 2J; MUSCULAR DYSTROPHY, LIMB-GIRDLE, AUTOSOMAL RECESSIVE 10. Identifiers: Orphanet 140922, MedGen C1837342, MONDO:0012127, OMIM 608807.

Allele frequency attached by ClinVar (database versions not stated): gnomAD exomes below 0.00001 and 0.00001; ExAC 0.00001; gnomAD 0.00001; TOPMed 0.00002; ESP Exome Variant Server 0.00008.

Submissions (2):

Labcorp Genetics (formerly Invitae), Labcorp
Classification: Likely benign for Dilated cardiomyopathy 1G; Autosomal recessive limb-girdle muscular dystrophy type 2J. Last evaluated: 2025-11-18. Review status: criteria provided, single submitter. Criteria: Invitae Variant Classification Sherloc (09022015). Collection method: clinical testing. Allele origin: germline.

GeneDx
Classification: Likely benign. Last evaluated: 2017-03-07. Review status: criteria provided, single submitter. Criteria: GeneDx Variant Classification (06012015). Collection method: clinical testing. Allele origin: germline. Affected: yes.
Comment: This variant is considered likely benign or benign based on one or more of the following criteria: it is a conservative change, it occurs at a poorly conserved position in the protein, it is predicted to be benign by multiple in silico algorithms, and/or has population frequency not consistent with disease.